The following is an entry in ClinVar:

NM_006908.5(RAC1):c.226-1420_226-1419del

Gene: RAC1 (Rac family small GTPase 1; plus strand). Cytogenetic location: 7p22.1.
Variant type: Deletion.
Coding change: c.226-1420_226-1419del on transcript NM_006908.5 (MANE Select); 1420 bases into the intron before coding-DNA position 226 through 1419 bases into the intron before coding-DNA position 226, 2 bases deleted (CA; older notation c.226-1420_226-1419delCA).
Molecular consequence: intron variant. On other transcripts: frameshift variant (2).
Genome position (GRCh38, 1-based): chr7:6,398,706-6,398,707, CA deleted; deleting any 2 consecutive bases within chr7:6,398,705-6,398,707 gives the same sequence; the c. name uses the placement nearest the transcript's 3' end. VCF-style (leftmost placement, unchanged base first): chr7-6398704-GAC-G. GRCh37 (hg19) VCF-style: chr7-6438335-GAC-G.
Other names: c.270_271del, p.Asp90fs (NM_018890.4); c.270_271delCA (NM_018890.4); short protein forms D90fs.
Identifiers: ClinVar variation 3896078 (VCV003896078.1).
Genomic context (GRCh38, chr7:6,398,704, plus strand): 5'-GTTCTCATGCATTACTAGGTTGGAGAAACGTACGGTAAGGATATAACCTCCCGGGGCAAA[GAC>G]AAGCCGATTGCCGTATGTAAAACTTTCAGTCCACTTCAGTTTCAAGCTTTCTCTGTTCTC-3'

ClinVar aggregate classification (germline): Uncertain significance (1 of 4 stars; one submission).

Submission:

Women's Health and Genetics/Laboratory Corporation of America, LabCorp
Classification: Uncertain significance. Last evaluated: 2025-03-19. Review status: criteria provided, single submitter. Criteria: LabCorp Variant Classification Summary - May 2015. Collection method: clinical testing. Allele origin: germline.
Comment: Variant summary: RAC1 c.270_271delCA (p.Asp90GlufsX20) results in a premature termination codon, predicted to cause a truncation of the encoded protein or absence of the protein due to nonsense mediated decay, however current evidence is not sufficient to establish loss of function as a mechanism for disease. The variant allele was found at a frequency of 1.1e-05 in 1606614 control chromosomes (gnomAD v4.1). This frequency is not higher than the maximum estimated for a pathogenic variant in RAC1 causing Intellectual Disability, Autosomal Dominant 48, allowing no conclusion about variant significance. To our knowledge, no occurrence of c.270_271delCA in individuals affected with Intellectual Disability, Autosomal Dominant 48 and no experimental evidence demonstrating its impact on protein function have been reported. No submitters have cited clinical-significance assessments for this variant to ClinVar. Based on the evidence outlined above, the variant was classified as uncertain significance.